The following is an entry in ClinVar:

NM_003280.3(TNNC1):c.203-10C>G

Gene: TNNC1 (troponin C1, slow skeletal and cardiac type; minus strand). Cytogenetic location: 3p21.1.
Variant type: single nucleotide variant.
Coding change: c.203-10C>G on transcript NM_003280.3 (MANE Select); 10 bases into the intron before coding-DNA position 203, C replaced by G.
Molecular consequence: intron variant.
Genome position (GRCh38, 1-based): chr3:52,451,868, G>C on the plus strand (C>G on the coding strand, the complement: TNNC1 is on the minus strand). VCF-style: chr3-52451868-G-C. GRCh37 (hg19) VCF-style: chr3-52485884-G-C.
Identifiers: ClinVar variation 179947 (VCV000179947.15), dbSNP rs727505237, ClinGen allele CA185488.

ClinVar aggregate classification (germline): Conflicting classifications of pathogenicity. Review status: criteria provided, conflicting classifications (1 of 4 stars). 4 submissions from 4 submitters: Uncertain significance (2); Likely benign (2). Last evaluated 2025-10-09.

Conditions:
Dilated cardiomyopathy 1Z (CMD1Z). Identifiers: Orphanet 154, MedGen C2678475, MONDO:0012745, OMIM 611879.
Hypertrophic cardiomyopathy 13. Also called: TNNC1-Related Familial Hypertrophic Cardiomyopathy. Identifiers: MedGen C2750472, MONDO:0013195, OMIM 613243.
Cardiomyopathy (CMYO). Also called: Cardiomyopathies. Identifiers: Orphanet 167848, MedGen C0878544, MONDO:0004994, HP:0001638. Inheritance: Various modes of inheritance.

Allele frequency attached by ClinVar (database versions not stated): gnomAD exomes below 0.00001 and 0.00002; gnomAD 0.00001.

Submissions (4):

Labcorp Genetics (formerly Invitae), Labcorp
Classification: Likely benign for Hypertrophic cardiomyopathy 13; Dilated cardiomyopathy 1Z. Last evaluated: 2025-10-09. Review status: criteria provided, single submitter. Criteria: Invitae Variant Classification Sherloc (09022015). Collection method: clinical testing. Allele origin: germline.

Blueprint Genetics
Classification: Likely benign. Last evaluated: 2024-03-14. Review status: criteria provided, single submitter. Criteria: ACMG Guidelines, 2015. Collection method: clinical testing. Allele origin: germline.

CHEO Genetics Diagnostic Laboratory, Children's Hospital of Eastern Ontario
Classification: Uncertain significance for Cardiomyopathy. Last evaluated: 2018-12-17. Review status: criteria provided, single submitter. Criteria: ACMG Guidelines, 2015. Collection method: clinical testing. Allele origin: germline.

Laboratory for Molecular Medicine, Mass General Brigham Personalized Medicine
Classification: Uncertain significance. Last evaluated: 2014-12-31. Review status: criteria provided, single submitter. Criteria: LMM Criteria. Collection method: clinical testing. Allele origin: germline. Observed: 2 variant alleles.
Comment: It has not been observed in large population studies. Th is variant is located in the 3' splice region. Computational tools do not sugges t an impact to splicing. However, this information is not predictive enough to r ule out pathogenicity. In summary, the clinical significance of the c.203-10C>G variant is uncertain.